The following is an entry in ClinVar:

NM_138295.5(PKD1L1):c.8314G>C (p.Glu2772Gln)

Genes: PKD1L1 (polycystin 1 like 1, transient receptor potential channel interacting; minus strand), PKD1L1-AS1 (PKD1L1 antisense RNA 1; plus strand). Cytogenetic location: 7p12.3.
Variant type: single nucleotide variant.
Coding change: c.8314G>C on transcript NM_138295.5 (MANE Select); coding-DNA position 8314, G replaced by C.
Protein change: p.Glu2772Gln; replaces glutamic acid 2772 with glutamine.
Molecular consequence: missense variant.
Genome position (GRCh38, 1-based): chr7:47,796,030, C>G on the plus strand (G>C on the coding strand, the complement: PKD1L1 is on the minus strand). VCF-style: chr7-47796030-C-G. GRCh37 (hg19) VCF-style: chr7-47835628-C-G.
Other names: short protein forms E2772Q.
Identifiers: ClinVar variation 4994831 (VCV004994831.1).

ClinVar aggregate classification (germline): Uncertain significance (1 of 4 stars; one submission).

Conditions:
PKD1L1-related disorder. Also called: PKD1L1-related condition.

gnomAD v4.1: 14 of 1,613,138 alleles (0.00087%); highest among the groups gnomAD compares: Non-Finnish European, 0.0012%; no homozygotes.

Submission:

PreventionGenetics, part of Exact Sciences
Classification: Uncertain significance for PKD1L1-related condition. Last evaluated: 2025-06-10. Review status: criteria provided, single submitter. Criteria: ACMG Guidelines, 2015. Collection method: clinical testing. Allele origin: germline.
Comment: The PKD1L1 c.8314G>C variant is predicted to result in the amino acid substitution p.Glu2772Gln. To our knowledge, this variant has not been reported in the literature. This variant is reported in 0.0018% of alleles in individuals of European (Non-Finnish) descent in gnomAD. At this time, the clinical significance of this variant is uncertain due to the absence of conclusive functional and genetic evidence.